The following is an entry in ClinVar:

ClinVar aggregate classification (germline): Uncertain significance (1 of 4 stars; one submission).

gnomAD v4.1: 3 of 1,614,030 alleles (0.00019%); highest among the groups gnomAD compares: Non-Finnish European, 0.00025%; no homozygotes.

Submission:

Labcorp Genetics (formerly Invitae), Labcorp
Classification: Uncertain significance. Last evaluated: 2025-05-27. Review status: criteria provided, single submitter. Criteria: Invitae Variant Classification Sherloc (09022015). Collection method: clinical testing. Allele origin: germline.
Comment: This sequence change replaces leucine, which is neutral and non-polar, with phenylalanine, which is neutral and non-polar, at codon 305 of the CXCR2 protein (p.Leu305Phe). This variant is present in population databases (rs201271219, gnomAD 0.0009%). This variant has not been reported in the literature in individuals affected with CXCR2-related conditions. An algorithm developed to predict the effect of missense changes on protein structure and function outputs the following: PolyPhen-2: "Benign". The phenylalanine amino acid residue is found in multiple mammalian species, which suggests that this missense change does not adversely affect protein function. In summary, the available evidence is currently insufficient to determine the role of this variant in disease. Therefore, it has been classified as a Variant of Uncertain Significance.

NM_001557.4(CXCR2):c.913C>T (p.Leu305Phe)

Gene: CXCR2 (C-X-C motif chemokine receptor 2; plus strand). Cytogenetic location: 2q35.
Variant type: single nucleotide variant.
Coding change: c.913C>T on transcript NM_001557.4 (MANE Select); coding-DNA position 913, C replaced by T.
Protein change: p.Leu305Phe; replaces leucine 305 with phenylalanine.
Molecular consequence: missense variant.
Genome position (GRCh38, 1-based): chr2:218,135,714, C>T. VCF-style: chr2-218135714-C-T. GRCh37 (hg19) VCF-style: chr2-219000437-C-T.
Other names: c.913C>T, p.Leu305Phe (NM_001168298.2); short protein forms L305F.
Identifiers: ClinVar variation 4705398 (VCV004705398.1).